The following is an entry in ClinVar:

NM_001184900.3(CARD8):c.878G>T (p.Ser293Ile)

Gene: CARD8 (caspase recruitment domain family member 8; minus strand). Cytogenetic location: 19q13.33.
Variant type: single nucleotide variant.
Coding change: c.878G>T on transcript NM_001184900.3 (MANE Select); coding-DNA position 878, G replaced by T.
Protein change: p.Ser293Ile; replaces serine 293 with isoleucine.
Molecular consequence: missense variant. On other transcripts: non-coding transcript variant (4).
Genome position (GRCh38, 1-based): chr19:48,230,595, C>A on the plus strand (G>T on the coding strand, the complement: CARD8 is on the minus strand). VCF-style: chr19-48230595-C-A. GRCh37 (hg19) VCF-style: chr19-48733852-C-A.
Other names: c.563G>T, p.Ser188Ile (NM_001351791.2, NM_001351792.2, NM_001351784.2 and 1 more transcripts); c.560G>T, p.Ser187Ile (NM_001365950.1); c.53G>T, p.Ser18Ile (NM_001426741.1); c.728G>T, p.Ser243Ile (NM_014959.5, NM_001351783.2, NM_001351788.2 and 2 more transcripts); c.878G>T, p.Ser293Ile (NM_001184903.1, NM_001351782.2, NM_001184902.2); c.542G>T, p.Ser181Ile (NM_001351786.2); c.635G>T, p.Ser212Ile (NM_001351790.2); short protein forms S18I, S243I, S187I, S188I, S293I, S181I, S212I.
Identifiers: ClinVar variation 2745243 (VCV002745243.3), dbSNP rs2146191226, ClinGen allele CA406643935.
Genomic context (GRCh38, chr19:48,230,595, plus strand): 5'-ATGGAGAGGCGAGTCCCACTGGCGATCCGCAGCAGGATGCCCATCAGAGAGAAGCTGGGG[C>A]TTTCCAGGACAGCATAGAAAGGCTCCACCCGGGCTGGATGCTCCAGGACCATCCCTTCAT-3'
Protein context (NP_001171829.1, residues 283-303): RVEPFYAVLE[Ser293Ile]PSFSLMGILL

ClinVar aggregate classification (germline): Uncertain significance (1 of 4 stars; one submission).

Submission:

Labcorp Genetics (formerly Invitae), Labcorp
Classification: Uncertain significance. Last evaluated: 2023-07-19. Review status: criteria provided, single submitter. Criteria: Invitae Variant Classification Sherloc (09022015). Collection method: clinical testing. Allele origin: germline.
Comment: This sequence change replaces serine, which is neutral and polar, with isoleucine, which is neutral and non-polar, at codon 243 of the CARD8 protein (p.Ser243Ile). This variant is not present in population databases (gnomAD no frequency). This variant has not been reported in the literature in individuals affected with CARD8-related conditions. An algorithm developed to predict the effect of missense changes on protein structure and function (PolyPhen-2) suggests that this variant is likely to be tolerated. In summary, the available evidence is currently insufficient to determine the role of this variant in disease. Therefore, it has been classified as a Variant of Uncertain Significance.